The following is an entry in ClinVar:

NM_031885.5(BBS2):c.874G>A (p.Val292Met)

Gene: BBS2 (Bardet-Biedl syndrome 2; minus strand). Cytogenetic location: 16q13.
Variant type: single nucleotide variant.
Coding change: c.874G>A on transcript NM_031885.5 (MANE Select); coding-DNA position 874, G replaced by A.
Protein change: p.Val292Met; replaces valine 292 with methionine.
Molecular consequence: missense variant. On other transcripts: non-coding transcript variant (5).
Genome position (GRCh38, 1-based): chr16:56,502,739, C>T on the plus strand (G>A on the coding strand, the complement: BBS2 is on the minus strand). VCF-style: chr16-56502739-C-T. GRCh37 (hg19) VCF-style: chr16-56536651-C-T.
Other names: c.874G>A, p.Val292Met (NM_001377456.1); short protein forms V292M.
Identifiers: ClinVar variation 4985509 (VCV004985509.1).

ClinVar aggregate classification (germline): Uncertain significance (1 of 4 stars; one submission).

Conditions:
BBS2-related disorder. Also called: BBS2-related condition; BBS2-related disorders. Identifiers: MedGen CN239228.

gnomAD v4.1: 4 of 1,614,196 alleles (0.00025%); highest among the groups gnomAD compares: Non-Finnish European, 0.00025%; no homozygotes.

Submission:

PreventionGenetics, part of Exact Sciences
Classification: Uncertain significance for BBS2-related condition. Last evaluated: 2025-10-17. Review status: criteria provided, single submitter. Criteria: ACMG Guidelines, 2015. Collection method: clinical testing. Allele origin: germline.
Comment: The BBS2 c.874G>A variant is predicted to result in the amino acid substitution p.Val292Met. To our knowledge, this variant has not been reported in the literature. This variant is reported in 0.00088% of alleles in individuals of European (Non-Finnish) descent in gnomAD. At this time, the clinical significance of this variant is uncertain due to the absence of conclusive functional and genetic evidence.